The following is an entry in ClinVar:

ClinVar aggregate classification (germline): Uncertain significance. Review status: criteria provided, multiple submitters, no conflicts (2 of 4 stars). 2 submissions from 2 submitters: Uncertain significance (2). Last evaluated 2026-03-18.

Conditions:
Hereditary cancer-predisposing syndrome. Also called: Hereditary neoplastic syndrome; Neoplastic Syndromes, Hereditary; Tumor predisposition; Hereditary Cancer Syndrome. Identifiers: Orphanet 140162, MedGen C0027672, MeSH D009386, MONDO:0015356.
Tuberous sclerosis 1 (TSC1). Identifiers: Orphanet 805, MedGen C1854465, MONDO:0008612, OMIM 191100.

Submissions (2):

Ambry Genetics
Classification: Uncertain significance for Hereditary cancer-predisposing syndrome. Last evaluated: 2026-03-18. Review status: criteria provided, single submitter. Criteria: Ambry Variant Classification Scheme 2023. Collection method: clinical testing. Allele origin: germline.
Comment: The p.S374G variant (also known as c.1120A>G), located in coding exon 9 of the TSC1 gene, results from an A to G substitution at nucleotide position 1120. The serine at codon 374 is replaced by glycine, an amino acid with similar properties. This amino acid position is highly conserved in available vertebrate species. In addition, the in silico prediction for this alteration is inconclusive. Based on the available evidence, the clinical significance of this variant remains unclear.

Labcorp Genetics (formerly Invitae), Labcorp
Classification: Uncertain significance for Tuberous sclerosis 1. Last evaluated: 2023-11-24. Review status: criteria provided, single submitter. Criteria: Invitae Variant Classification Sherloc (09022015). Collection method: clinical testing. Allele origin: germline.
Comment: This sequence change replaces serine, which is neutral and polar, with glycine, which is neutral and non-polar, at codon 374 of the TSC1 protein (p.Ser374Gly). This variant is not present in population databases (gnomAD no frequency). This variant has not been reported in the literature in individuals affected with TSC1-related conditions. ClinVar contains an entry for this variant (Variation ID: 1063383). Advanced modeling of protein sequence and biophysical properties (such as structural, functional, and spatial information, amino acid conservation, physicochemical variation, residue mobility, and thermodynamic stability) performed at Invitae indicates that this missense variant is not expected to disrupt TSC1 protein function with a negative predictive value of 95%. Algorithms developed to predict the effect of sequence changes on RNA splicing suggest that this variant may disrupt the consensus splice site. In summary, the available evidence is currently insufficient to determine the role of this variant in disease. Therefore, it has been classified as a Variant of Uncertain Significance.

NM_000368.5(TSC1):c.1120A>G (p.Ser374Gly)

Gene: TSC1 (TSC complex subunit 1; minus strand). Cytogenetic location: 9q34.13.
Variant type: single nucleotide variant.
Coding change: c.1120A>G on transcript NM_000368.5 (MANE Select); coding-DNA position 1120, A replaced by G.
Protein change: p.Ser374Gly; replaces serine 374 with glycine.
Molecular consequence: missense variant.
Genome position (GRCh38, 1-based): chr9:132,911,023, T>C on the plus strand (A>G on the coding strand, the complement: TSC1 is on the minus strand). VCF-style: chr9-132911023-T-C. GRCh37 (hg19) VCF-style: chr9-135786410-T-C.
Other names: c.1120A>G (NM_000368.4); c.1120A>G, p.Ser374Gly (NM_001162426.2); c.967A>G, p.Ser323Gly (NM_001162427.2); c.757A>G, p.Ser253Gly (NM_001362177.2); short protein forms S253G, S323G, S374G.
Identifiers: ClinVar variation 1063383 (VCV001063383.10), dbSNP rs2131957774, ClinGen allele CA375367383.